The following is an entry in ClinVar:

ClinVar aggregate classification (germline): Uncertain significance (1 of 4 stars; one submission).

Allele frequency attached by ClinVar (database versions not stated): TOPMed 0.00001; gnomAD 0.00004; gnomAD exomes 0.00008; ExAC 0.00020.
gnomAD v4.1: 126 of 1,601,706 alleles (0.0079%); highest among the groups gnomAD compares: South Asian, 0.13%; 2 homozygotes.

Submission:

Labcorp Genetics (formerly Invitae), Labcorp
Classification: Uncertain significance. Last evaluated: 2022-04-21. Review status: criteria provided, single submitter. Criteria: Invitae Variant Classification Sherloc (09022015). Collection method: clinical testing. Allele origin: germline.
Comment: This sequence change replaces serine, which is neutral and polar, with arginine, which is basic and polar, at codon 422 of the IFNAR1 protein (p.Ser422Arg). This variant is present in population databases (rs746291558, gnomAD 0.1%). This variant has not been reported in the literature in individuals affected with IFNAR1-related conditions. Algorithms developed to predict the effect of missense changes on protein structure and function are either unavailable or do not agree on the potential impact of this missense change (SIFT: "Deleterious"; PolyPhen-2: "Probably Damaging"; Align-GVGD: "Class C15"). In summary, the available evidence is currently insufficient to determine the role of this variant in disease. Therefore, it has been classified as a Variant of Uncertain Significance.

NM_000629.3(IFNAR1):c.1264A>C (p.Ser422Arg)

Gene: IFNAR1 (interferon alpha and beta receptor subunit 1; plus strand). Cytogenetic location: 21q22.11.
Variant type: single nucleotide variant.
Coding change: c.1264A>C on transcript NM_000629.3 (MANE Select); coding-DNA position 1264, A replaced by C.
Protein change: p.Ser422Arg; replaces serine 422 with arginine.
Molecular consequence: missense variant.
Genome position (GRCh38, 1-based): chr21:33,352,878, A>C. VCF-style: chr21-33352878-A-C. GRCh37 (hg19) VCF-style: chr21-34725184-A-C.
Other names: c.1264A>C, p.Ser422Arg (NM_001384498.1, NM_001384499.1, NM_001384503.1); c.502A>C, p.Ser168Arg (NM_001384500.1); c.1249A>C, p.Ser417Arg (NM_001384501.1); c.802A>C, p.Ser268Arg (NM_001384502.1); c.1057A>C, p.Ser353Arg (NM_001384504.1); short protein forms S353R, S417R, S422R, S268R, S168R.
Identifiers: ClinVar variation 1914069 (VCV001914069.2), dbSNP rs746291558, ClinGen allele CA10006705.
Genomic context (GRCh38, chr21:33,352,878, plus strand): 5'-TATTGTGTGAAAGCCAGAGCACACACCATGGATGAAAAGCTGAATAAAAGCAGTGTTTTT[A>C]GTGACGCTGTATGTGAGAAAACAAAACCAGGTCAGAATCTTTTATTGTCTTTTTTAAAAA-3'
Protein context (NP_000620.2, residues 412-432): DEKLNKSSVF[Ser422Arg]DAVCEKTKPG